The following is an entry in ClinVar:

NM_004415.4(DSP):c.3526del (p.Val1176fs)

Gene: DSP (desmoplakin; plus strand). Cytogenetic location: 6p24.3.
Variant type: Deletion.
Coding change: c.3526del on transcript NM_004415.4 (MANE Select); coding-DNA position 3526, one base deleted (G; older notation c.3526delG).
Protein change: p.Val1176fs; shifts the reading frame from valine 1176.
Molecular consequence: frameshift variant.
Genome position (GRCh38, 1-based): chr6:7,579,716, G deleted; the last of 3 consecutive G bases (chr6:7,579,714-7,579,716); deleting any one gives the same sequence. VCF-style (leftmost placement, unchanged base first): chr6-7579713-AG-A. GRCh37 (hg19) VCF-style: chr6-7579946-AG-A.
Other names: c.3526del, p.Val1176fs (NM_001008844.3, NM_001319034.2); c.3526del (LRG_423t1, NM_004415.2); short protein forms V1176fs.
Identifiers: ClinVar variation 179994 (VCV000179994.14), dbSNP rs727505271, ClinGen allele CA005835.

ClinVar aggregate classification (germline): Pathogenic/Likely pathogenic. Review status: criteria provided, multiple submitters, no conflicts (2 of 4 stars). 3 submissions from 3 submitters: Pathogenic (2); Likely pathogenic (1). Last evaluated 2020-04-06.

Conditions:
Cardiovascular phenotype. Identifiers: MedGen CN230736.
Arrhythmogenic cardiomyopathy with wooly hair and keratoderma. Also called: Dilated cardiomyopathy with woolly hair and keratoderma; Arrhythmogenic cardiomyopathy with woolly hair and keratoderma; PALMOPLANTAR KERATODERMA WITH LEFT VENTRICULAR CARDIOMYOPATHY AND WOOLLY HAIR; Carvajal syndrome. Identifiers: Orphanet 65282, MedGen C1854063, MONDO:0011581, OMIM 605676.
Arrhythmogenic right ventricular dysplasia 8 (ARVD8). Also called: Arrhythmogenic Right Ventricular Dysplasia/Cardiomyopathy 8; ARRHYTHMOGENIC RIGHT VENTRICULAR DYSPLASIA, FAMILIAL, 8; ARRHYTHMOGENIC RIGHT VENTRICULAR CARDIOMYOPATHY 8. Identifiers: MedGen C1843896, MONDO:0011831, OMIM 607450.
Arrhythmogenic right ventricular cardiomyopathy (ARVD). Also called: Arrhythmogenic cardiomyopathy; Arrhythmogenic Right Ventricular Cardiomyopathy (ARVC); Cardiomyopathy, ARVC; Arrhythmogenic right ventricular dysplasia. Identifiers: Orphanet 247, MedGen C0349788, MeSH D019571, MONDO:0016587. Disease mechanism: loss of function. Inheritance: Various modes of inheritance.

Submissions (3):

Labcorp Genetics (formerly Invitae), Labcorp
Classification: Pathogenic for Arrhythmogenic cardiomyopathy with wooly hair and keratoderma; Arrhythmogenic right ventricular dysplasia 8. Last evaluated: 2020-04-06. Review status: criteria provided, single submitter. Criteria: Invitae Variant Classification Sherloc (09022015). Collection method: clinical testing. Allele origin: germline.
Comment: For these reasons, this variant has been classified as Pathogenic. Loss-of-function variants in DSP are known to be pathogenic (PMID: 20716751, 24503780, 25227139). This variant has not been reported in the literature in individuals with DSP-related conditions. ClinVar contains an entry for this variant (Variation ID: 179994). This variant is not present in population databases (ExAC no frequency). This sequence change creates a premature translational stop signal (p.Val1176Phefs*20) in the DSP gene. It is expected to result in an absent or disrupted protein product.

Ambry Genetics
Classification: Pathogenic for Cardiovascular phenotype. Last evaluated: 2018-03-05. Review status: criteria provided, single submitter. Criteria: Ambry Variant Classification Scheme 2023. Collection method: clinical testing. Allele origin: germline.
Comment: The c.3526delG pathogenic mutation, located in coding exon 23 of the DSP gene, results from a deletion of one nucleotide at nucleotide position 3526, causing a translational frameshift with a predicted alternate stop codon (p.V1176Ffs*20). Alterations in DSP that result in haploinsufficiency or protein truncation have been reported in patients with arrhythmogenic right ventricular cardiomyopathy (ARVC) and dilated cardiomyopathy (DCM) (Fressart V et al. Europace. 2010;12(6):861-8; Elliott P et al. Circ Cardiovasc Genet. 2010;3(4):314-22; Quarta G et al. Circulation. 2011;123(23):2701-9; Garcia-Pavia P et al. Heart. 2011;97(21):1744-52; Rasmussen TB et al. Clin Genet. 2013;84(1):20-30; Pugh TJ et al. Genet Med. 2014;16(8):601-8). This alteration is expected to result in loss of function by premature protein truncation or nonsense-mediated mRNA decay. As such, this alteration is interpreted as a disease-causing mutation.

Laboratory for Molecular Medicine, Mass General Brigham Personalized Medicine
Classification: Likely pathogenic for Arrhythmogenic right ventricular cardiomyopathy. Last evaluated: 2017-05-15. Review status: criteria provided, single submitter. Criteria: LMM Criteria. Collection method: clinical testing. Allele origin: germline. Observed: 11 variant alleles.
Comment: The p.Val1176fs variant was absent from large population studies. This variant is predicted to cause a frameshift, which alters the protein?s ami no acid sequence beginning at position 1176 and leads to a premature termination codon 20 amino acids downstream. This alteration is predicted to lead to a trun cated or absent protein. Heterozygous loss of function of the DSP gene is an est ablished disease mechanism in individuals with ARVC and/or DCM. In summary, alth ough additional studies are required to fully establish its clinical significanc e, the p.Val1176fs variant is likely pathogenic.

Literature cited by the submitters: PubMed 20716751 (cited by Labcorp Genetics (formerly Invitae), Labcorp); PubMed 24503780 (cited by Labcorp Genetics (formerly Invitae), Labcorp); PubMed 25227139 (cited by Labcorp Genetics (formerly Invitae), Labcorp).